The following is an entry in ClinVar:

NM_001011551.3(C1GALT1C1):c.474G>C (p.Leu158Phe)

Gene: C1GALT1C1 (C1GALT1 specific chaperone 1; minus strand). Cytogenetic location: Xq24.
Variant type: single nucleotide variant.
Coding change: c.474G>C on transcript NM_001011551.3 (MANE Select); coding-DNA position 474, G replaced by C.
Protein change: p.Leu158Phe; replaces leucine 158 with phenylalanine.
Molecular consequence: missense variant.
Genome position (GRCh38, 1-based): chrX:120,626,693, C>G on the plus strand (G>C on the coding strand, the complement: C1GALT1C1 is on the minus strand). VCF-style: chrX-120626693-C-G. GRCh37 (hg19) VCF-style: chrX-119760548-C-G.
Other names: c.474G>C, p.Leu158Phe (NM_152692.5); short protein forms L158F.
Identifiers: ClinVar variation 4292916 (VCV004292916.1).

ClinVar aggregate classification (germline): Uncertain significance (1 of 4 stars; one submission).

Conditions:
Hemolytic uremic syndrome, atypical, 8, with rhizomelic short stature (AHUS8). Identifiers: MedGen C5829585, MONDO:0957495, OMIM 301110.

Submission:

3billion
Classification: Uncertain significance for Hemolytic uremic syndrome, atypical, 8, with rhizomelic short stature. Last evaluated: 2024-09-09. Review status: criteria provided, single submitter. Criteria: ACMG Guidelines, 2015. Collection method: clinical testing. Allele origin: germline. Affected: yes.
Comment: The variant is not observed in the gnomAD v4.0.0 dataset. Predicted Consequence/Location: Missense changes are a common disease-causing mechanism. In silico tool predictions suggest damaging effect of the variant on gene or gene product [REVEL: 0.68 (>=0.6, sensitivity 0.68 and specificity 0.92)]. Therefore, this variant is classified as VUS according to the recommendation of ACMG/AMP guideline.